The following is an entry in ClinVar:

ClinVar aggregate classification (germline): Uncertain significance (1 of 4 stars; one submission).

Conditions:
Catecholaminergic polymorphic ventricular tachycardia 1. Also called: RYR2-Related Catecholaminergic Polymorphic Ventricular Tachycardia; VENTRICULAR TACHYCARDIA, CATECHOLAMINERGIC POLYMORPHIC, 1, WITH OR WITHOUT ATRIAL DYSFUNCTION AND/OR DILATED CARDIOMYOPATHY; VENTRICULAR TACHYCARDIA, STRESS-INDUCED POLYMORPHIC 1. Identifiers: Orphanet 3286, MedGen C1631597, MONDO:0011484, OMIM 604772.

Allele frequency attached by ClinVar (database versions not stated): gnomAD exomes below 0.00001.
gnomAD v4.1: 2 of 1,613,998 alleles (0.00012%); highest among the groups gnomAD compares: Non-Finnish European, 0.00017%; no homozygotes.

Submission:

Labcorp Genetics (formerly Invitae), Labcorp
Classification: Uncertain significance for Catecholaminergic polymorphic ventricular tachycardia 1. Last evaluated: 2022-08-15. Review status: criteria provided, single submitter. Criteria: Invitae Variant Classification Sherloc (09022015). Collection method: clinical testing. Allele origin: germline.
Comment: In summary, the available evidence is currently insufficient to determine the role of this variant in disease. Therefore, it has been classified as a Variant of Uncertain Significance. Advanced modeling of protein sequence and biophysical properties (such as structural, functional, and spatial information, amino acid conservation, physicochemical variation, residue mobility, and thermodynamic stability) performed at Invitae indicates that this missense variant is not expected to disrupt RYR2 protein function. ClinVar contains an entry for this variant (Variation ID: 1025714). This variant has not been reported in the literature in individuals affected with RYR2-related conditions. This variant is not present in population databases (gnomAD no frequency). This sequence change replaces lysine, which is basic and polar, with glutamic acid, which is acidic and polar, at codon 671 of the RYR2 protein (p.Lys671Glu).

NM_001035.3(RYR2):c.2011A>G (p.Lys671Glu)

Gene: RYR2 (ryanodine receptor 2; plus strand). Cytogenetic location: 1q43.
Variant type: single nucleotide variant.
Coding change: c.2011A>G on transcript NM_001035.3 (MANE Select); coding-DNA position 2011, A replaced by G.
Protein change: p.Lys671Glu; replaces lysine 671 with glutamic acid.
Molecular consequence: missense variant.
Genome position (GRCh38, 1-based): chr1:237,496,560, A>G. VCF-style: chr1-237496560-A-G. GRCh37 (hg19) VCF-style: chr1-237659860-A-G.
Other names: short protein forms K671E.
Identifiers: ClinVar variation 1025714 (VCV001025714.10), dbSNP rs1664097353, ClinGen allele CA345391216.